The following is an entry in ClinVar:

ClinVar aggregate classification (germline): Likely benign. Review status: criteria provided, multiple submitters, no conflicts (2 of 4 stars). 5 submissions from 5 submitters: Likely benign (5). Last evaluated 2025-06-01.

Conditions:
Cardiovascular phenotype. Identifiers: MedGen CN230736.
Familial hypobetalipoproteinemia 1. Also called: APOB-Related Familial Hypobetalipoproteinemia; Hypobetalipoproteinemia, normotriglyceridemic; Acanthocytosis with hypobetalipoproteinemia. Identifiers: MedGen C4551990, MONDO:0014252, OMIM 615558.
Hypercholesterolemia, autosomal dominant, type B (FHCL2). Also called: APOB-Related Familial Hypercholesterolemia, Autosomal Dominant; HYPERCHOLESTEROLEMIA, FAMILIAL, DUE TO LIGAND-DEFECTIVE APOLIPOPROTEIN B; Familial Hypercholesterolemia Type B; APOLIPOPROTEIN B-100, FAMILIAL DEFECTIVE; APOLIPOPROTEIN B-100, FAMILIAL LIGAND-DEFECTIVE; Hyperlipoproteinemia Type IIb. Identifiers: MedGen C1704417, MONDO:0007751, OMIM 144010.
Familial hypercholesterolemia. Also called: Familial hypercholesterolaemia; Familial hypercholesterolemias. Identifiers: MedGen C0020445, MONDO:0005439.

Allele frequency attached by ClinVar (database versions not stated): gnomAD 0.00005; gnomAD exomes 0.00006 and 0.00017; ExAC 0.00007; TOPMed 0.00009; ESP Exome Variant Server 0.00015.
gnomAD v4.1: 253 of 1,613,994 alleles (0.016%); highest among the groups gnomAD compares: Non-Finnish European, 0.02%; no homozygotes.

Submissions (5):

Labcorp Genetics (formerly Invitae), Labcorp
Classification: Likely benign for Familial hypobetalipoproteinemia 1; Hypercholesterolemia, autosomal dominant, type B. Last evaluated: 2025-06-01. Review status: criteria provided, single submitter. Criteria: Invitae Variant Classification Sherloc (09022015). Collection method: clinical testing. Allele origin: germline.

GENinCode PLC
Classification: Likely benign for Familial hypercholesterolemia. Last evaluated: 2025-01-09. Review status: criteria provided, single submitter. Criteria: ACMG Guidelines, 2015. Collection method: clinical testing. Allele origin: germline.
Comment: This is a synonymous (silent) variant that is not predicted to impact splicing and occurs at a nucleotide which is not highly conserved. This variant has been classified as Likely Benign (BP4, BP7).

Blueprint Genetics
Classification: Likely benign. Last evaluated: 2024-06-10. Review status: criteria provided, single submitter. Criteria: ACMG Guidelines, 2015. Collection method: clinical testing. Allele origin: germline.

CeGaT Center for Human Genetics Tuebingen
Classification: Likely benign. Last evaluated: 2023-07-01. Review status: criteria provided, single submitter. Criteria: CeGaT Center For Human Genetics Tuebingen Variant Classification Criteria Version 2. Collection method: clinical testing. Allele origin: germline. Affected: yes. Observed: 1 variant allele.
Comment: APOB: BP4, BP7

Ambry Genetics
Classification: Likely benign for Cardiovascular phenotype. Last evaluated: 2022-03-07. Review status: criteria provided, single submitter. Criteria: Ambry Variant Classification Scheme 2023. Collection method: clinical testing. Allele origin: germline.

NM_000384.3(APOB):c.5913G>A (p.Leu1971=)

Gene: APOB (apolipoprotein B; minus strand). Cytogenetic location: 2p24.1.
Variant type: single nucleotide variant.
Coding change: c.5913G>A on transcript NM_000384.3 (MANE Select); coding-DNA position 5913, G replaced by A.
Protein change: p.Leu1971=; no amino-acid change (leucine 1971 retained).
Molecular consequence: synonymous variant.
Genome position (GRCh38, 1-based): chr2:21,010,955, C>T on the plus strand (G>A on the coding strand, the complement: APOB is on the minus strand). VCF-style: chr2-21010955-C-T. GRCh37 (hg19) VCF-style: chr2-21233827-C-T.
Identifiers: ClinVar variation 237747 (VCV000237747.47), dbSNP rs374251542, ClinGen allele CA062619.